The following is an entry in ClinVar:

NM_000143.4(FH):c.739-13_739-11del

Gene: FH (fumarate hydratase; minus strand). Cytogenetic location: 1q43.
Variant type: Deletion.
Coding change: c.739-13_739-11del on transcript NM_000143.4 (MANE Select); 13 bases into the intron before coding-DNA position 739 through 11 bases into the intron before coding-DNA position 739, 3 bases deleted (CTT; older notation c.739-13_739-11delCTT).
Molecular consequence: intron variant.
Genome position (GRCh38, 1-based): chr1:241,506,179-241,506,181, AAG deleted on the plus strand (CTT on the coding strand, the reverse complement: FH is on the minus strand); deleting any 3 consecutive bases within chr1:241,506,179-241,506,183 gives the same sequence; the c. name uses the placement nearest the transcript's 3' end. VCF-style (leftmost placement, unchanged base first): chr1-241506178-AAAG-A. GRCh37 (hg19) VCF-style: chr1-241669478-AAAG-A.
Other names: c.739-13_739-11delCTT (NM_000143.3).
Identifiers: ClinVar variation 514574 (VCV000514574.1), dbSNP rs771766378, ClinGen allele CA1478619.
Genomic context (GRCh38, chr1:241,506,178, plus strand): 5'-TTTTATTCTTGTCATTGCATATTTTACTTGTTGAACATAACCACTAAATTCCTGAAAAGA[AAAG>A]AAAATTAAGGTAAGAATAAGTAATTCCTAATAGCTTACAAGTTACTCTAACTGCATTAAA-3'

ClinVar aggregate classification (germline): Likely benign (1 of 4 stars; one submission).

Submission:

GeneDx
Classification: Likely benign. Last evaluated: 2018-01-14. Review status: criteria provided, single submitter. Criteria: GeneDx Variant Classification (06012015). Collection method: clinical testing. Allele origin: germline. Affected: yes.
Comment: This variant is considered likely benign or benign based on one or more of the following criteria: it is a conservative change, it occurs at a poorly conserved position in the protein, it is predicted to be benign by multiple in silico algorithms, and/or has population frequency not consistent with disease.